The following is an entry in ClinVar:

NM_015450.3(POT1):c.1729G>T (p.Asp577Tyr)

Gene: POT1 (protection of telomeres 1; minus strand). Cytogenetic location: 7q31.33.
Variant type: single nucleotide variant.
Coding change: c.1729G>T on transcript NM_015450.3 (MANE Select); coding-DNA position 1729, G replaced by T.
Protein change: p.Asp577Tyr; replaces aspartic acid 577 with tyrosine.
Molecular consequence: missense variant. On other transcripts: non-coding transcript variant (3).
Genome position (GRCh38, 1-based): chr7:124,825,315, C>A on the plus strand (G>T on the coding strand, the complement: POT1 is on the minus strand). VCF-style: chr7-124825315-C-A. GRCh37 (hg19) VCF-style: chr7-124465369-C-A.
Other names: c.1336G>T, p.Asp446Tyr (NM_001042594.2); short protein forms D446Y, D577Y.
Identifiers: ClinVar variation 658820 (VCV000658820.11), dbSNP rs764901825, ClinGen allele CA166093021.

ClinVar aggregate classification (germline): Uncertain significance. Review status: criteria provided, multiple submitters, no conflicts (2 of 4 stars). 2 submissions from 2 submitters: Uncertain significance (2). Last evaluated 2025-10-29.

Conditions:
Tumor predisposition syndrome 3 (TPDS3). Also called: Melanoma, cutaneous malignant, susceptibility to, 10; Glioma susceptibility 9; LONG TELOMERE SYNDROME, POT1-RELATED; POT1 Tumor Predisposition. Identifiers: Orphanet 618, MedGen C4014476, MONDO:0014368, OMIM 615848.
Hereditary cancer-predisposing syndrome. Also called: Tumor predisposition; Neoplastic Syndromes, Hereditary; Hereditary Cancer Syndrome; Hereditary neoplastic syndrome. Identifiers: Orphanet 140162, MedGen C0027672, MeSH D009386, MONDO:0015356.

Allele frequency attached by ClinVar (database versions not stated): TOPMed below 0.00001; gnomAD exomes 0.00001.
gnomAD v4.1: 7 of 1,611,012 alleles (0.00043%); highest among the groups gnomAD compares: Non-Finnish European, 0.00059%; no homozygotes.

Submissions (2):

Ambry Genetics
Classification: Uncertain significance for Hereditary cancer-predisposing syndrome. Last evaluated: 2025-10-29. Review status: criteria provided, single submitter. Criteria: Ambry Variant Classification Scheme 2023. Collection method: clinical testing. Allele origin: germline.
Comment: The p.D577Y variant (also known as c.1729G>T), located in coding exon 14 of the POT1 gene, results from a G to T substitution at nucleotide position 1729. The aspartic acid at codon 577 is replaced by tyrosine, an amino acid with highly dissimilar properties. This amino acid position is not well conserved in available vertebrate species. In addition, this alteration is predicted to be tolerated by in silico analysis. Since supporting evidence is limited at this time, the clinical significance of this alteration remains unclear.

Labcorp Genetics (formerly Invitae), Labcorp
Classification: Uncertain significance for Tumor predisposition syndrome 3. Last evaluated: 2025-08-29. Review status: criteria provided, single submitter. Criteria: Invitae Variant Classification Sherloc (09022015). Collection method: clinical testing. Allele origin: germline.
Comment: This sequence change replaces aspartic acid, which is acidic and polar, with tyrosine, which is neutral and polar, at codon 577 of the POT1 protein (p.Asp577Tyr). This variant is not present in population databases (gnomAD no frequency). This missense change has been observed in individual(s) with thymoma (PMID: 29625052). ClinVar contains an entry for this variant (Variation ID: 658820). Invitae Evidence Modeling of protein sequence and biophysical properties (such as structural, functional, and spatial information, amino acid conservation, physicochemical variation, residue mobility, and thermodynamic stability) indicates that this missense variant is not expected to disrupt POT1 protein function with a negative predictive value of 80%. In summary, the available evidence is currently insufficient to determine the role of this variant in disease. Therefore, it has been classified as a Variant of Uncertain Significance.

Literature cited by the submitters: PubMed 29625052 (cited by Labcorp Genetics (formerly Invitae), Labcorp).